The following is an entry in ClinVar:

ClinVar aggregate classification (germline): Uncertain significance (1 of 4 stars; one submission).

Submission:

Labcorp Genetics (formerly Invitae), Labcorp
Classification: Uncertain significance. Last evaluated: 2021-10-12. Review status: criteria provided, single submitter. Criteria: Invitae Variant Classification Sherloc (09022015). Collection method: clinical testing. Allele origin: germline.
Comment: This sequence change falls in intron 3 of the TFRC gene. It does not directly change the encoded amino acid sequence of the TFRC protein. It affects a nucleotide within the consensus splice site. This variant is not present in population databases (ExAC no frequency). In summary, the available evidence is currently insufficient to determine the role of this variant in disease. Therefore, it has been classified as a Variant of Uncertain Significance. Variants that disrupt the consensus splice site are a relatively common cause of aberrant splicing (PMID: 17576681, 9536098). Algorithms developed to predict the effect of sequence changes on RNA splicing suggest that this variant may disrupt the consensus splice site. This variant has not been reported in the literature in individuals affected with TFRC-related conditions.

Literature cited by the submitters: PubMed 17576681; PubMed 9536098.

NM_001128148.3(TFRC):c.239-3T>G

Gene: TFRC (transferrin receptor; minus strand). Cytogenetic location: 3q29.
Variant type: single nucleotide variant.
Coding change: c.239-3T>G on transcript NM_001128148.3 (MANE Select); 3 bases into the intron before coding-DNA position 239, T replaced by G.
Molecular consequence: intron variant.
Genome position (GRCh38, 1-based): chr3:196,074,128, A>C on the plus strand (T>G on the coding strand, the complement: TFRC is on the minus strand). VCF-style: chr3-196074128-A-C. GRCh37 (hg19) VCF-style: chr3-195800999-A-C.
Other names: c.-412-1976T>G (NM_001313966.2); c.-5-3T>G (NM_001313965.2); c.239-3T>G (NM_003234.4).
Identifiers: ClinVar variation 1486210 (VCV001486210.6), dbSNP rs2108655962, ClinGen allele CA2573136865.